The following is an entry in ClinVar:

NM_000297.4(PKD2):c.1345G>C (p.Gly449Arg)

Gene: PKD2 (polycystin 2, transient receptor potential cation channel; plus strand). Cytogenetic location: 4q22.1.
Variant type: single nucleotide variant.
Coding change: c.1345G>C on transcript NM_000297.4 (MANE Select); coding-DNA position 1345, G replaced by C.
Protein change: p.Gly449Arg; replaces glycine 449 with arginine.
Molecular consequence: missense variant. On other transcripts: non-coding transcript variant (1).
Genome position (GRCh38, 1-based): chr4:88,046,667, G>C. VCF-style: chr4-88046667-G-C. GRCh37 (hg19) VCF-style: chr4-88967819-G-C.
Other names: short protein forms G449R.
Identifiers: ClinVar variation 873386 (VCV000873386.31), dbSNP rs1727783547, ClinGen allele CA357618505.

ClinVar aggregate classification (germline): Uncertain significance. Review status: criteria provided, multiple submitters, no conflicts (2 of 4 stars). 3 submissions from 3 submitters: Uncertain significance (3). Last evaluated 2025-09-01.

Conditions:
Polycystic kidney disease 2 (PKD2). Also called: Polycystic Kidney Disease 2, Autosomal Dominant; POLYCYSTIC KIDNEY DISEASE 2 WITH OR WITHOUT POLYCYSTIC LIVER DISEASE; POLYCYSTIC KIDNEY DISEASE, ADULT, TYPE II. Identifiers: MedGen C2751306, MONDO:0013131, OMIM 613095.

Submissions (3):

CeGaT Center for Human Genetics Tuebingen
Classification: Uncertain significance. Last evaluated: 2025-09-01. Review status: criteria provided, single submitter. Criteria: CeGaT Center For Human Genetics Tuebingen Variant Classification Criteria Version 2. Collection method: clinical testing. Allele origin: germline. Affected: yes. Observed: 2 variant alleles.
Comment: PKD2: PM2, PS4:Moderate

Fulgent Genetics
Classification: Uncertain significance for Polycystic kidney disease 2. Last evaluated: 2024-02-27. Review status: criteria provided, single submitter. Criteria: ACMG Guidelines, 2015. Collection method: clinical testing. Allele origin: germline.

Cavalleri Lab, Royal College of Surgeons in Ireland
Classification: Uncertain significance for Polycystic kidney disease 2. Last evaluated: 2020-02-05. Review status: criteria provided, single submitter. Criteria: ACMG Guidelines, 2015. Collection method: research. Allele origin: unknown. Inheritance: Autosomal dominant inheritance. Affected: yes.
Comment: PM2, PP3, PP4, PP5